The following is an entry in ClinVar:

ClinVar aggregate classification (germline): Likely pathogenic. Review status: criteria provided, single submitter (1 of 4 stars). 2 submissions from 2 submitters: Likely pathogenic (1). 1 of the submissions does not count toward it. Last evaluated 2024-04-17.

Conditions:
Hypertrophic cardiomyopathy. Also called: HYPERTROPHIC MYOCARDIOPATHY. Identifiers: Orphanet 217569, MedGen C0007194, MeSH D002312, MONDO:0005045, HP:0001639.

Allele frequency attached by ClinVar (database versions not stated): gnomAD exomes below 0.00001 and 0.00001; TOPMed below 0.00001.
gnomAD v4.1: 2 of 1,612,788 alleles (0.00012%); highest among the groups gnomAD compares: Admixed American, 0.0033%; no homozygotes.

Submissions (2):

Labcorp Genetics (formerly Invitae), Labcorp
Classification: Likely pathogenic for Hypertrophic cardiomyopathy. Last evaluated: 2024-04-17. Review status: criteria provided, single submitter. Criteria: Invitae Variant Classification Sherloc (09022015). Collection method: clinical testing. Allele origin: germline.
Comment: This sequence change affects an acceptor splice site in intron 1 of the TNNI3 gene. It is expected to disrupt RNA splicing. Variants that disrupt the donor or acceptor splice site typically lead to a loss of protein function (PMID: 16199547), and loss-of-function variants in TNNI3 are known to be pathogenic (PMID: 31568572, 34036930, 35838873). The frequency data for this variant in the population databases is considered unreliable, as metrics indicate poor data quality at this position in the gnomAD database. This variant has not been reported in the literature in individuals affected with TNNI3-related conditions. ClinVar contains an entry for this variant (Variation ID: 43360). Algorithms developed to predict the effect of sequence changes on RNA splicing suggest that this variant may disrupt the consensus splice site. In summary, the currently available evidence indicates that the variant is pathogenic, but additional data are needed to prove that conclusively. Therefore, this variant has been classified as Likely Pathogenic.

Laboratory for Molecular Medicine, Mass General Brigham Personalized Medicine
Classification: Likely pathogenic for Hypertrophic cardiomyopathy. Last evaluated: 2008-03-01. Review status: no assertion criteria provided. Collection method: clinical testing. Allele origin: germline. Observed: 1 variant allele. Not counted in ClinVar's aggregate classification.

Literature cited by the submitters: PubMed 16199547 (cited by Labcorp Genetics (formerly Invitae), Labcorp); PubMed 31568572 (cited by Labcorp Genetics (formerly Invitae), Labcorp); PubMed 34036930 (cited by Labcorp Genetics (formerly Invitae), Labcorp); PubMed 35838873 (cited by Labcorp Genetics (formerly Invitae), Labcorp).

NM_000363.5(TNNI3):c.12-1G>T

Gene: TNNI3 (troponin I3, cardiac type; minus strand). Cytogenetic location: 19q13.42.
Variant type: single nucleotide variant.
Coding change: c.12-1G>T on transcript NM_000363.5 (MANE Select); the canonical splice acceptor site of the intron before coding-DNA position 12, G replaced by T.
Molecular consequence: splice acceptor variant.
Genome position (GRCh38, 1-based): chr19:55,157,309, C>A on the plus strand (G>T on the coding strand, the complement: TNNI3 is on the minus strand). VCF-style: chr19-55157309-C-A. GRCh37 (hg19) VCF-style: chr19-55668677-C-A.
Identifiers: ClinVar variation 43360 (VCV000043360.7), dbSNP rs397516340, ClinGen allele CA021255.